The following is an entry in ClinVar:

ClinVar aggregate classification (germline): Likely benign. Review status: criteria provided, multiple submitters, no conflicts (2 of 4 stars). 7 submissions from 6 submitters: Likely benign (7). Last evaluated 2026-04-14.

Conditions:
SOS1-related disorder. Also called: SOS1-related condition.
Cardiovascular phenotype. Identifiers: MedGen CN230736.
RASopathy. Also called: Noonan spectrum disorder; rasopathies. Identifiers: Orphanet 536391, MedGen C5555857, MONDO:0021060.
Noonan syndrome 4 (NS4). Also called: SOS1-Related Noonan Syndrome; NOONAN SYNDROME WITH PIGMENTED VILLONODULAR SYNOVITIS. Identifiers: Orphanet 648, MedGen C1853120, MONDO:0012547, OMIM 610733.
Fibromatosis, gingival, 1 (GINGF1). Identifiers: Orphanet 2024, MedGen C4551558, MONDO:0007609, OMIM 135300.

Allele frequency attached by ClinVar (database versions not stated): TOPMed 0.00002; gnomAD 0.00010; 1000 Genomes Project 30x 0.00016; 1000 Genomes Project 0.00020.
gnomAD v4.1: 62 of 1,612,782 alleles (0.0038%); highest among the groups gnomAD compares: South Asian, 0.036%; no homozygotes.

Submissions (7):

Ambry Genetics
Classification: Likely benign for Cardiovascular phenotype. Last evaluated: 2026-04-14. Review status: criteria provided, single submitter. Criteria: Ambry Variant Classification Scheme 2023. Collection method: clinical testing. Allele origin: germline.

PreventionGenetics, part of Exact Sciences
Classification: Likely benign for SOS1-related condition. Last evaluated: 2026-01-14. Review status: criteria provided, single submitter. Criteria: ACMG Guidelines, 2015. Collection method: clinical testing. Allele origin: germline.
Comment: This variant is classified as likely benign based on ACMG/AMP sequence variant interpretation guidelines (Richards et al. 2015 PMID: 25741868, with internal and published modifications).

Labcorp Genetics (formerly Invitae), Labcorp
Classification: Likely benign for RASopathy. Last evaluated: 2025-09-22. Review status: criteria provided, single submitter. Criteria: Invitae Variant Classification Sherloc (09022015). Collection method: clinical testing. Allele origin: germline.

Blueprint Genetics
Classification: Likely benign. Last evaluated: 2023-11-14. Review status: criteria provided, single submitter. Criteria: ACMG Guidelines, 2015. Collection method: clinical testing. Allele origin: germline.

GeneDx
Classification: Likely benign. Last evaluated: 2021-04-15. Review status: criteria provided, single submitter. Criteria: GeneDx Variant Classification Process June 2021. Collection method: clinical testing. Allele origin: germline. Affected: yes.

Genome-Nilou Lab
Classification: Likely benign for Noonan syndrome 4. Review status: criteria provided, single submitter. Criteria: ACMG Guidelines, 2015. Collection method: clinical testing. Allele origin: germline.

Genome-Nilou Lab
Classification: Likely benign for Fibromatosis, gingival, 1. Review status: criteria provided, single submitter. Criteria: ACMG Guidelines, 2015. Collection method: clinical testing. Allele origin: germline.

NM_005633.4(SOS1):c.1269C>T (p.Asn423=)

Gene: SOS1 (SOS Ras/Rac guanine nucleotide exchange factor 1; minus strand). Cytogenetic location: 2p22.1.
Variant type: single nucleotide variant.
Coding change: c.1269C>T on transcript NM_005633.4 (MANE Select); coding-DNA position 1269, C replaced by T.
Protein change: p.Asn423=; no amino-acid change (asparagine 423 retained).
Molecular consequence: synonymous variant.
Genome position (GRCh38, 1-based): chr2:39,023,159, G>A on the plus strand (C>T on the coding strand, the complement: SOS1 is on the minus strand). VCF-style: chr2-39023159-G-A. GRCh37 (hg19) VCF-style: chr2-39250300-G-A.
Other names: c.1248C>T, p.Asn416= (NM_001382394.1); c.1269C>T, p.Asn423= (NM_001382395.1).
Identifiers: ClinVar variation 381373 (VCV000381373.15), dbSNP rs138459502, ClinGen allele CA1624610.